The following is an entry in ClinVar:

ClinVar aggregate classification (germline): Pathogenic (1 of 4 stars; one submission).

Submission:

ISCA Site 6
Classification: Pathogenic. Last evaluated: 2011-08-12. Review status: criteria provided, single submitter. Criteria: Kaminsky et al. (Genet Med. 2011). Collection method: clinical testing. Allele origin: unknown. Affected: yes. Observed: 1 variant allele.
Comment: Copy number variation identified through the course of routine clinical cytogenomic testing in postnatal populations. Clinical assertions have been curated as described in Kaminsky et al. 2011.

GRCh38/hg38 16p13.3(chr16:5959600-6121461)x1

Genes: RBFOX1 (RNA binding fox-1 homolog 1; plus strand), LOC107522031 (meiotic recombination hotspot CG; plus strand), LOC126862274 (P300/CBP strongly-dependent group 1 enhancer GRCh37_chr16:6052649-6053848; plus strand), LOC126862275 (BRD4-independent group 4 enhancer GRCh37_chr16:6072816-6074015; plus strand). Cytogenetic location: 16p13.3.
Variant type: copy number loss.
Change: copy number 1 (one copy instead of two) of chr16:5,959,600-6,121,461 (161.9 kb, GRCh38 coordinates, 1-based), cytogenetic band 16p13.3.
Identifiers: ClinVar variation 59459 (VCV000059459.2).